The following is an entry in ClinVar:

NM_001382508.1(DROSHA):c.2988A>C (p.Leu996Phe)

Gene: DROSHA (drosha ribonuclease III; minus strand). Cytogenetic location: 5p13.3.
Variant type: single nucleotide variant.
Coding change: c.2988A>C on transcript NM_001382508.1 (MANE Select); coding-DNA position 2988, A replaced by C.
Protein change: p.Leu996Phe; replaces leucine 996 with phenylalanine.
Molecular consequence: missense variant.
Genome position (GRCh38, 1-based): chr5:31,435,819, T>G on the plus strand (A>C on the coding strand, the complement: DROSHA is on the minus strand). VCF-style: chr5-31435819-T-G. GRCh37 (hg19) VCF-style: chr5-31435926-T-G.
Other names: c.2877A>C, p.Leu959Phe (NM_001100412.2); c.2988A>C, p.Leu996Phe (NM_013235.5); short protein forms L996F, L959F.
Identifiers: ClinVar variation 3393491 (VCV003393491.1).

ClinVar aggregate classification (germline): Pathogenic (0 of 4 stars; one submission).

Conditions:
Pineoblastoma. Identifiers: Orphanet 251909, MedGen C0205898, MONDO:0016722, HP:0030408.

Submission:

Center for Precision Oncology and Cancer Prevention, Roswell Park Comprehensive Cancer Center
Classification: Pathogenic for Pineoblastoma. Last evaluated: 2024-11-22. Review status: no assertion criteria provided. Collection method: research. Allele origin: germline. Inheritance: Autosomal dominant inheritance. Affected: yes.
Comment: This individual was identified as part of a query of CNS tumors in the Open Pediatric Cancer Project. This variant was originally reported as c.2988C>A on the opposite strand, but this has since been adjusted to match the reference on the opposite strand.